The following is an entry in ClinVar:

ClinVar aggregate classification (germline): Pathogenic/Likely pathogenic. Review status: criteria provided, multiple submitters, no conflicts (2 of 4 stars). 2 submissions from 2 submitters: Pathogenic (1); Likely pathogenic (1). Last evaluated 2025-06-17.

Conditions:
Frontotemporal dementia and/or amyotrophic lateral sclerosis 4. Also called: FTDALS4. Identifiers: Orphanet 275872, MedGen C4225325, MONDO:0014641, OMIM 616439.

Submissions (2):

Mayo Clinic Laboratories, Mayo Clinic
Classification: Likely pathogenic. Last evaluated: 2025-06-17. Review status: criteria provided, single submitter. Criteria: ACMG Guidelines, 2015. Collection method: clinical testing. Allele origin: germline. Observed: 1 variant allele.
Comment: PM2_supporting, PVS1

Labcorp Genetics (formerly Invitae), Labcorp
Classification: Pathogenic for Frontotemporal dementia and/or amyotrophic lateral sclerosis 4. Last evaluated: 2022-12-12. Review status: criteria provided, single submitter. Criteria: Invitae Variant Classification Sherloc (09022015). Collection method: clinical testing. Allele origin: germline.
Comment: Algorithms developed to predict the effect of sequence changes on RNA splicing suggest that this variant may disrupt the consensus splice site. For these reasons, this variant has been classified as Pathogenic. ClinVar contains an entry for this variant (Variation ID: 1458273). This sequence change creates a premature translational stop signal (p.Tyr424*) in the TBK1 gene. It is expected to result in an absent or disrupted protein product. Loss-of-function variants in TBK1 are known to be pathogenic (PMID: 25803835, 26476236, 26581300). This variant is not present in population databases (gnomAD no frequency). This premature translational stop signal has been observed in individual(s) with frontotemporal dementia (PMID: 30739198).

Literature cited by the submitters: PubMed 30739198 (cited by Mayo Clinic Laboratories, Mayo Clinic and Labcorp Genetics (formerly Invitae), Labcorp); PubMed 25803835 (cited by Labcorp Genetics (formerly Invitae), Labcorp); PubMed 26476236 (cited by Labcorp Genetics (formerly Invitae), Labcorp); PubMed 26581300 (cited by Labcorp Genetics (formerly Invitae), Labcorp).

NM_013254.4(TBK1):c.1272del (p.Cys423_Tyr424insTer)

Gene: TBK1 (TANK binding kinase 1; plus strand). Cytogenetic location: 12q14.2.
Variant type: Deletion.
Coding change: c.1272del on transcript NM_013254.4 (MANE Select); coding-DNA position 1272, one base deleted (T; older notation c.1272delT).
Protein change: p.Cys423_Tyr424insTer.
Molecular consequence: nonsense.
Genome position (GRCh38, 1-based): chr12:64,485,949, T deleted. VCF-style (leftmost placement, unchanged base first): chr12-64485948-AT-A. GRCh37 (hg19) VCF-style: chr12-64879728-AT-A.
Other names: p.Tyr424*.
Identifiers: ClinVar variation 1458273 (VCV001458273.7), dbSNP rs2040816609, ClinGen allele CA2042160319.
Genomic context (GRCh38, chr12:64,485,948, plus strand): 5'-AATTAGCACCAAATATTGACATTTTATTTCTTTATTAGGCAATAACAGGGGTTGTGTGTT[AT>A]GCCTGCAGAATTGCCAGTACCTTACTGCTTTATCAGGAATTAATGCGAAAGGGGATACGA-3'